The following is an entry in ClinVar:

NM_020458.4(TTC7A):c.2123C>T (p.Thr708Ile)

Gene: TTC7A (tetratricopeptide repeat domain 7A; plus strand). Cytogenetic location: 2p21.
Variant type: single nucleotide variant.
Coding change: c.2123C>T on transcript NM_020458.4 (MANE Select); coding-DNA position 2123, C replaced by T.
Protein change: p.Thr708Ile; replaces threonine 708 with isoleucine.
Molecular consequence: missense variant.
Genome position (GRCh38, 1-based): chr2:47,051,851, C>T. VCF-style: chr2-47051851-C-T. GRCh37 (hg19) VCF-style: chr2-47278990-C-T.
Other names: c.2195C>T, p.Thr732Ile (NM_001288951.2); c.2021C>T, p.Thr674Ile (NM_001288953.2); c.1061C>T, p.Thr354Ile (NM_001288955.2); c.2123C>T (NM_020458.3); short protein forms T674I, T708I, T354I, T732I.
Identifiers: ClinVar variation 2312646 (VCV002312646.5), dbSNP rs199554702, ClinGen allele CA1648018.

ClinVar aggregate classification (germline): Uncertain significance. Review status: criteria provided, multiple submitters, no conflicts (2 of 4 stars). 3 submissions from 3 submitters: Uncertain significance (3). Last evaluated 2026-05-15.

Conditions:
Inborn genetic diseases. Identifiers: MedGen C0950123, MeSH D030342.
Multiple gastrointestinal atresias. Also called: FAMILIAL INTESTINAL POLYATRESIA SYNDROME; Multiple intestinal atresia. Identifiers: Orphanet 2300, MedGen C0220744, MONDO:0009465.
TTC7A-related disorder. Also called: TTC7A-related condition.

Allele frequency attached by ClinVar (database versions not stated): gnomAD exomes 0.00001; ExAC 0.00004; gnomAD 0.00006; TOPMed 0.00009; ESP Exome Variant Server 0.00023.
gnomAD v4.1: 12 of 1,611,704 alleles (0.00074%); highest among the groups gnomAD compares: African/African-American, 0.016%; no homozygotes.

Submissions (3):

PreventionGenetics, part of Exact Sciences
Classification: Uncertain significance for TTC7A-related condition. Last evaluated: 2026-05-15. Review status: criteria provided, single submitter. Criteria: ACMG Guidelines, 2015. Collection method: clinical testing. Allele origin: germline.
Comment: The TTC7A c.2123C>T variant is predicted to result in the amino acid substitution p.Thr708Ile. To our knowledge, this variant has not been reported in the literature. This variant is reported in 0.031% of alleles in individuals of African descent in gnomAD. At this time, the clinical significance of this variant is uncertain due to the absence of conclusive functional and genetic evidence.

Labcorp Genetics (formerly Invitae), Labcorp
Classification: Uncertain significance for Multiple gastrointestinal atresias. Last evaluated: 2024-05-23. Review status: criteria provided, single submitter. Criteria: Invitae Variant Classification Sherloc (09022015). Collection method: clinical testing. Allele origin: germline.
Comment: This sequence change replaces threonine, which is neutral and polar, with isoleucine, which is neutral and non-polar, at codon 708 of the TTC7A protein (p.Thr708Ile). This variant is present in population databases (rs199554702, gnomAD 0.03%). This variant has not been reported in the literature in individuals affected with TTC7A-related conditions. ClinVar contains an entry for this variant (Variation ID: 2312646). Advanced modeling of protein sequence and biophysical properties (such as structural, functional, and spatial information, amino acid conservation, physicochemical variation, residue mobility, and thermodynamic stability) performed at Invitae indicates that this missense variant is not expected to disrupt TTC7A protein function with a negative predictive value of 80%. In summary, the available evidence is currently insufficient to determine the role of this variant in disease. Therefore, it has been classified as a Variant of Uncertain Significance.

Ambry Genetics
Classification: Uncertain significance for Inborn genetic diseases. Last evaluated: 2022-09-19. Review status: criteria provided, single submitter. Criteria: Ambry Variant Classification Scheme 2023. Collection method: clinical testing. Allele origin: germline.